The following is an entry in ClinVar:

NM_199420.4(POLQ):c.3697G>A (p.Val1233Ile)

Gene: POLQ (DNA polymerase theta; minus strand). Cytogenetic location: 3q13.33.
Variant type: single nucleotide variant.
Coding change: c.3697G>A on transcript NM_199420.4 (MANE Select); coding-DNA position 3697, G replaced by A.
Protein change: p.Val1233Ile; replaces valine 1233 with isoleucine.
Molecular consequence: missense variant.
Genome position (GRCh38, 1-based): chr3:121,489,234, C>T on the plus strand (G>A on the coding strand, the complement: POLQ is on the minus strand). VCF-style: chr3-121489234-C-T. GRCh37 (hg19) VCF-style: chr3-121208081-C-T.
Other names: short protein forms V1233I.
Identifiers: ClinVar variation 1734004 (VCV001734004.2), dbSNP rs1560097578, ClinGen allele CA354097959.
Genomic context (GRCh38, chr3:121,489,234, plus strand): 5'-GAAAATGACTTGGTTTATTTTCCTCTGTATTAAGCTTTATCCTTTCACAATTGATAGTAA[C>T]ATTTGAGTCTCTATTTATGTAACTACTGACTGCTTCACAGGGCATTTGTCTCTCTATTAT-3'
Protein context (NP_955452.3, residues 1223-1243): VSSYINRDSN[Val1233Ile]TINCERIKLN

ClinVar aggregate classification (germline): Uncertain significance (1 of 4 stars; one submission).

Submission:

Ambry Genetics
Classification: Uncertain significance. Last evaluated: 2021-08-12. Review status: criteria provided, single submitter. Criteria: Ambry Variant Classification Scheme 2023. Collection method: clinical testing. Allele origin: germline.
Comment: The p.V1233I variant (also known as c.3697G>A), located in coding exon 16 of the POLQ gene, results from a G to A substitution at nucleotide position 3697. The valine at codon 1233 is replaced by isoleucine, an amino acid with highly similar properties. This amino acid position is conserved. In addition, this alteration is predicted to be tolerated by in silico analysis. Since supporting evidence is limited at this time, the clinical significance of this alteration remains unclear.